The following is an entry in ClinVar:

ClinVar aggregate classification (germline): Conflicting classifications of pathogenicity. Review status: criteria provided, conflicting classifications (1 of 4 stars). 5 submissions from 5 submitters: Uncertain significance (3); Likely benign (2). Last evaluated 2025-12-18.

Conditions:
TTN-related disorder. Also called: TTN-related condition; TTN-related disease; TTN-related disorders.
Dilated cardiomyopathy 1G (CMD1G). Identifiers: Orphanet 154, MedGen C1858763, MONDO:0011400, OMIM 604145.
Autosomal recessive limb-girdle muscular dystrophy type 2J (LGMDR10). Also called: Limb-girdle muscular dystrophy, type 2J; MUSCULAR DYSTROPHY, LIMB-GIRDLE, AUTOSOMAL RECESSIVE 10. Identifiers: Orphanet 140922, MedGen C1837342, MONDO:0012127, OMIM 608807.

Allele frequency attached by ClinVar (database versions not stated): gnomAD exomes 0.00008 and 0.00017; gnomAD 0.00010; ExAC 0.00022.
gnomAD v4.1: 129 of 1,564,988 alleles (0.0082%); highest among the groups gnomAD compares: Admixed American, 0.0091%; no homozygotes.

Submissions (5):

PreventionGenetics, part of Exact Sciences
Classification: Uncertain significance for TTN-related condition. Last evaluated: 2025-12-18. Review status: criteria provided, single submitter. Criteria: ACMG Guidelines, 2015. Collection method: clinical testing. Allele origin: germline.
Comment: The TTN c.46222G>A variant is predicted to result in the amino acid substitution p.Ala15408Thr. To our knowledge, this variant has not been reported in the literature. This variant is reported in 0.040% of alleles in individuals of European (Finnish) descent in gnomAD. At this time, the clinical significance of this variant is uncertain due to the absence of conclusive functional and genetic evidence.

Blueprint Genetics
Classification: Likely benign. Last evaluated: 2024-06-07. Review status: criteria provided, single submitter. Criteria: ACMG Guidelines, 2015. Collection method: clinical testing. Allele origin: germline.

Revvity Omics, Revvity
Classification: Uncertain significance. Last evaluated: 2020-03-10. Review status: criteria provided, single submitter. Criteria: ACMG Guidelines, 2015. Collection method: clinical testing. Allele origin: germline.

GeneDx
Classification: Likely benign. Last evaluated: 2018-02-28. Review status: criteria provided, single submitter. Criteria: GeneDx Variant Classification (06012015). Collection method: clinical testing. Allele origin: germline. Affected: yes.
Comment: This variant is considered likely benign or benign based on one or more of the following criteria: it is a conservative change, it occurs at a poorly conserved position in the protein, it is predicted to be benign by multiple in silico algorithms, and/or has population frequency not consistent with disease.

Labcorp Genetics (formerly Invitae), Labcorp
Classification: Uncertain significance for Dilated cardiomyopathy 1G; Autosomal recessive limb-girdle muscular dystrophy type 2J. Last evaluated: 2017-12-04. Review status: criteria provided, single submitter. Criteria: Invitae Variant Classification Sherloc (09022015). Collection method: clinical testing. Allele origin: germline.

NM_001267550.2(TTN):c.46222G>A (p.Ala15408Thr)

Gene: TTN (titin; minus strand). Cytogenetic location: 2q31.2.
Variant type: single nucleotide variant.
Coding change: c.46222G>A on transcript NM_001267550.2 (MANE Select); coding-DNA position 46222, G replaced by A.
Protein change: p.Ala15408Thr; replaces alanine 15408 with threonine.
Molecular consequence: missense variant.
Genome position (GRCh38, 1-based): chr2:178,620,299, C>T on the plus strand (G>A on the coding strand, the complement: TTN is on the minus strand). VCF-style: chr2-178620299-C-T. GRCh37 (hg19) VCF-style: chr2-179485026-C-T.
Other names: p.A13767T:GCT>ACT; c.41299G>A, p.Ala13767Thr (NM_001256850.1); c.19027G>A, p.Ala6343Thr (NM_003319.4); c.38518G>A, p.Ala12840Thr (NM_133378.4); c.19402G>A, p.Ala6468Thr (NM_133432.3); c.19603G>A, p.Ala6535Thr (NM_133437.4); short protein forms A15408T, A6468T, A13767T, A12840T, A6535T, A6343T.
Identifiers: ClinVar variation 180568 (VCV000180568.8), dbSNP rs730880239, ClinGen allele CA309865.